The following is an entry in ClinVar:

ClinVar aggregate classification (germline): Pathogenic. Review status: criteria provided, multiple submitters, no conflicts (2 of 4 stars). 2 submissions from 2 submitters: Pathogenic (2). Last evaluated 2024-08-30.

Conditions:
Hereditary cancer-predisposing syndrome. Also called: Neoplastic Syndromes, Hereditary; Tumor predisposition; Hereditary Cancer Syndrome; Hereditary neoplastic syndrome. Identifiers: Orphanet 140162, MedGen C0027672, MeSH D009386, MONDO:0015356.

Submissions (2):

Ambry Genetics
Classification: Pathogenic for Hereditary cancer-predisposing syndrome. Last evaluated: 2024-08-30. Review status: criteria provided, single submitter. Criteria: Ambry Variant Classification Scheme 2023. Collection method: clinical testing. Allele origin: germline.
Comment: The c.1185delA pathogenic mutation, located in coding exon 4 of the BARD1 gene, results from a deletion of one nucleotide at nucleotide position 1185, causing a translational frameshift with a predicted alternate stop codon (p.P396Lfs*4). This variant is considered to be rare based on population cohorts in the Genome Aggregation Database (gnomAD). This alteration is expected to result in loss of function by premature protein truncation or nonsense-mediated mRNA decay. As such, this alteration is interpreted as a disease-causing mutation.

Color Diagnostics, LLC DBA Color Health
Classification: Pathogenic for Hereditary cancer-predisposing syndrome. Last evaluated: 2023-07-07. Review status: criteria provided, single submitter. Criteria: ACMG Guidelines, 2015. Collection method: clinical testing. Allele origin: germline.
Comment: This variant deletes 1 nucleotide in exon 4 of the BARD1 gene, creating a frameshift and premature translation stop signal. This variant is expected to result in an absent or non-functional protein product. To our knowledge, this variant has not been reported in individuals affected with BARD1-related disorders in the literature. This variant has not been identified in the general population by the Genome Aggregation Database (gnomAD). Loss of BARD1 function is a known mechanism of disease. Based on the available evidence, this variant is classified as Pathogenic.

NM_000465.4(BARD1):c.1185del (p.Pro396fs)

Gene: BARD1 (BRCA1 associated RING domain 1; minus strand). Cytogenetic location: 2q35.
Variant type: Deletion.
Coding change: c.1185del on transcript NM_000465.4 (MANE Select); coding-DNA position 1185, one base deleted (A; older notation c.1185delA).
Protein change: p.Pro396fs; shifts the reading frame from proline 396.
Molecular consequence: frameshift variant. On other transcripts: non-coding transcript variant (2), intron variant (3).
Genome position (GRCh38, 1-based): chr2:214,780,689, T deleted on the plus strand (A on the coding strand, the reverse complement: BARD1 is on the minus strand). VCF-style (leftmost placement, unchanged base first): chr2-214780688-GT-G. GRCh37 (hg19) VCF-style: chr2-215645412-GT-G.
Other names: c.1128del, p.Pro377fs (NM_001282543.2); c.159-28134del (NM_001282548.2); c.215+16372del (NM_001282545.2); c.364+11608del (NM_001282549.2); c.1185delA (NM_000465.2); short protein forms P396fs, P377fs.
Identifiers: ClinVar variation 2774786 (VCV002774786.3), dbSNP rs2469502527, ClinGen allele CA2697550337.